The following is an entry in ClinVar:

NM_002968.3(SALL1):c.2535C>T (p.Asp845=)

Gene: SALL1 (spalt like transcription factor 1; minus strand). Cytogenetic location: 16q12.1.
Variant type: single nucleotide variant.
Coding change: c.2535C>T on transcript NM_002968.3 (MANE Select); coding-DNA position 2535, C replaced by T.
Protein change: p.Asp845=; no amino-acid change (aspartic acid 845 retained).
Molecular consequence: synonymous variant.
Genome position (GRCh38, 1-based): chr16:51,139,687, G>A on the plus strand (C>T on the coding strand, the complement: SALL1 is on the minus strand). VCF-style: chr16-51139687-G-A. GRCh37 (hg19) VCF-style: chr16-51173598-G-A.
Other names: c.2244C>T, p.Asp748= (NM_001127892.2).
Identifiers: ClinVar variation 2859473 (VCV002859473.5), dbSNP rs772861257, ClinGen allele CA8053089.

ClinVar aggregate classification (germline): Likely benign. Review status: criteria provided, multiple submitters, no conflicts (2 of 4 stars). 3 submissions from 3 submitters: Likely benign (3). Last evaluated 2025-04-09.

Conditions:
Townes syndrome (TBS). Also called: Townes-Brocks syndrome. Identifiers: Orphanet 857, MedGen C0265246, MeSH C536974, MONDO:0007142.

Allele frequency attached by ClinVar (database versions not stated): TOPMed below 0.00001; gnomAD 0.00001; gnomAD exomes 0.00002; ExAC 0.00005.
gnomAD v4.1: 31 of 1,614,136 alleles (0.0019%); highest among the groups gnomAD compares: East Asian, 0.016%; no homozygotes.

Submissions (3):

Labcorp Genetics (formerly Invitae), Labcorp
Classification: Likely benign for Townes syndrome. Last evaluated: 2025-04-09. Review status: criteria provided, single submitter. Criteria: Invitae Variant Classification Sherloc (09022015). Collection method: clinical testing. Allele origin: germline.

Women's Health and Genetics/Laboratory Corporation of America, LabCorp
Classification: Likely benign. Last evaluated: 2024-10-01. Review status: criteria provided, single submitter. Criteria: LabCorp Variant Classification Summary - May 2015. Collection method: clinical testing. Allele origin: germline.
Comment: Variant summary: SALL1 c.2535C>T alters a conserved nucleotide resulting in a synonymous change. Consensus agreement among computation tools predict no significant impact on normal splicing. However, these predictions have yet to be confirmed by functional studies. The variant allele was found at a frequency of 3.6e-05 in 251490 control chromosomes, predominantly at a frequency of 0.00043 within the East Asian subpopulation in the gnomAD database. The available data on variant occurrences in the general population are insufficient to allow any conclusion about variant significance. To our knowledge, no occurrence of c.2535C>T in individuals affected with Townes-Brocks Syndrome 1 and no experimental evidence demonstrating its impact on protein function have been reported. ClinVar contains an entry for this variant (Variation ID: 2859473). Based on the evidence outlined above, the variant was classified as likely benign.

Blueprint Genetics
Classification: Likely benign. Last evaluated: 2023-11-28. Review status: criteria provided, single submitter. Criteria: ACMG Guidelines, 2015. Collection method: clinical testing. Allele origin: germline.